The following is an entry in ClinVar:

ClinVar aggregate classification (germline): Uncertain significance (1 of 4 stars; one submission).

Conditions:
Dihydropyrimidine dehydrogenase deficiency (DPYDD). Also called: DPD DEFICIENCY; DPYD DEFICIENCY; Hereditary Thymine-Uraciluria. Identifiers: Orphanet 1675, MedGen C1959620, MONDO:0010130, OMIM 274270.

Submission:

Myriad Genetics, Inc.
Classification: Uncertain significance for Dihydropyrimidine dehydrogenase deficiency. Last evaluated: 2026-02-23. Review status: criteria provided, single submitter. Criteria: Myriad Autosomal Dominant, Autosomal Recessive and X-Linked Classification Criteria (2023). Collection method: clinical testing. Allele origin: unknown.
Comment: NM_000110.3(DPYD):c.1149_1150insGGA(E383_K384insG) is an in-frame insertion classified as a variant of uncertain significance in the context of dihydropyrimidine dehydrogenase deficiency. E383_K384insG has not been observed in cases with relevant disease. Relevant functional assessments of this variant are not available in the literature. E383_K384insG has not been observed in referenced population frequency databases. In summary, there is insufficient evidence to classify NM_000110.3(DPYD):c.1149_1150insGGA(E383_K384insG) as pathogenic or benign. Please note: this variant was assessed in the context of healthy population screening.

NM_000110.4(DPYD):c.1149_1150insGGA (p.Glu383_Lys384insGly)

Gene: DPYD (dihydropyrimidine dehydrogenase; minus strand). Cytogenetic location: 1p21.3.
Variant type: Insertion.
Coding change: c.1149_1150insGGA on transcript NM_000110.4 (MANE Select); coding-DNA positions 1149 to 1150, GGA inserted.
Protein change: p.Glu383_Lys384insGly.
Molecular consequence: inframe insertion.
Genome position: GRCh38 VCF-style: chr1-97573949-T-TTCC. GRCh37 (hg19) VCF-style: chr1-98039505-T-TTCC.
Identifiers: ClinVar variation 5003569 (VCV005003569.1).